The following is an entry in ClinVar:

ClinVar aggregate classification (germline): Conflicting classifications of pathogenicity. Review status: criteria provided, conflicting classifications (1 of 4 stars). 6 submissions from 6 submitters: Uncertain significance (2); Likely benign (3). 1 of the submissions does not count toward it. Last evaluated 2024-11-01.

Conditions:
SCARB2-related disorder. Also called: SCARB2-related condition.
Self-limited epilepsy with centrotemporal spikes. Also called: Childhood epilepsy with centrotemporal spikes; Rolandic epilepsy. Identifiers: Orphanet 1945, MedGen C0376532, MONDO:0007295.
Inborn genetic diseases. Identifiers: MedGen C0950123, MeSH D030342.
Progressive myoclonic epilepsy. Also called: Myoclonic Epilepsies, Progressive; Familial progressive myoclonic epilepsy; Myoclonus epilepsy; Progressive myoclonus epilepsy. Identifiers: Orphanet 308, Orphanet 98261, MedGen C0751778, MONDO:0020074.

Allele frequency attached by ClinVar (database versions not stated): ESP Exome Variant Server 0.00008; gnomAD 0.00009; gnomAD exomes 0.00015; TOPMed 0.00015; ExAC 0.00018.

Submissions (6):

PreventionGenetics, part of Exact Sciences
Classification: Likely benign for SCARB2-related condition. Last evaluated: 2024-11-01. Review status: criteria provided, single submitter. Criteria: ACMG Guidelines, 2015. Collection method: clinical testing. Allele origin: germline.
Comment: This variant is classified as likely benign based on ACMG/AMP sequence variant interpretation guidelines (Richards et al. 2015 PMID: 25741868, with internal and published modifications).

Ambry Genetics
Classification: Likely benign for Inborn genetic diseases. Last evaluated: 2024-02-29. Review status: criteria provided, single submitter. Criteria: Ambry Variant Classification Scheme 2023. Collection method: clinical testing. Allele origin: germline.

Labcorp Genetics (formerly Invitae), Labcorp
Classification: Uncertain significance for Progressive myoclonic epilepsy. Last evaluated: 2022-10-05. Review status: criteria provided, single submitter. Criteria: Invitae Variant Classification Sherloc (09022015). Collection method: clinical testing. Allele origin: germline.
Comment: This sequence change replaces arginine, which is basic and polar, with glutamine, which is neutral and polar, at codon 27 of the SCARB2 protein (p.Arg27Gln). This variant is present in population databases (rs368906199, gnomAD 0.2%). This missense change has been observed in individual(s) with Rolandic epilepsy (PMID: 29358611). This variant is also known as g.77134617 C>T. ClinVar contains an entry for this variant (Variation ID: 206722). Advanced modeling of protein sequence and biophysical properties (such as structural, functional, and spatial information, amino acid conservation, physicochemical variation, residue mobility, and thermodynamic stability) performed at Invitae indicates that this missense variant is not expected to disrupt SCARB2 protein function. Algorithms developed to predict the effect of sequence changes on RNA splicing suggest that this variant may create or strengthen a splice site. In summary, the available evidence is currently insufficient to determine the role of this variant in disease. Therefore, it has been classified as a Variant of Uncertain Significance.

Mayo Clinic Laboratories, Mayo Clinic
Classification: Uncertain significance. Last evaluated: 2019-07-14. Review status: criteria provided, single submitter. Criteria: ACMG Guidelines, 2015. Collection method: clinical testing. Allele origin: germline. Observed: 3 variant alleles.

GeneDx
Classification: Likely benign. Last evaluated: 2018-03-12. Review status: criteria provided, single submitter. Criteria: GeneDx Variant Classification (06012015). Collection method: clinical testing. Allele origin: germline. Affected: yes.
Comment: This variant is considered likely benign or benign based on one or more of the following criteria: it is a conservative change, it occurs at a poorly conserved position in the protein, it is predicted to be benign by multiple in silico algorithms, and/or has population frequency not consistent with disease.

Bioinformatics Core, Luxembourg Center for Systems Biomedicine
Classification: Pathogenic for Self-limited epilepsy with centrotemporal spikes. Last evaluated: 2017-01-01. Review status: no assertion criteria provided. Collection method: case-control. Allele origin: germline. Affected: yes. Study: EUROEPINOMICS COGIE. Not counted in ClinVar's aggregate classification.

Literature cited by the submitters: PubMed 29358611 (cited by Labcorp Genetics (formerly Invitae), Labcorp and Bioinformatics Core, Luxembourg Center for Systems Biomedicine).

NM_005506.4(SCARB2):c.80G>A (p.Arg27Gln)

Gene: SCARB2 (scavenger receptor class B member 2; minus strand). Cytogenetic location: 4q21.1.
Variant type: single nucleotide variant.
Coding change: c.80G>A on transcript NM_005506.4 (MANE Select); coding-DNA position 80, G replaced by A.
Protein change: p.Arg27Gln; replaces arginine 27 with glutamine.
Molecular consequence: missense variant.
Genome position (GRCh38, 1-based): chr4:76,213,464, C>T on the plus strand (G>A on the coding strand, the complement: SCARB2 is on the minus strand). VCF-style: chr4-76213464-C-T. GRCh37 (hg19) VCF-style: chr4-77134617-C-T.
Other names: p.R27Q:CGG>CAG; c.80G>A, p.Arg27Gln (NM_001204255.2); short protein forms R27Q.
Identifiers: ClinVar variation 206722 (VCV000206722.18), dbSNP rs368906199, ClinGen allele CA317088.